The following is an entry in ClinVar:

NM_025137.4(SPG11):c.1028C>T (p.Ser343Leu)

Gene: SPG11 (SPG11 vesicle trafficking associated, spatacsin; minus strand). Cytogenetic location: 15q21.1.
Variant type: single nucleotide variant.
Coding change: c.1028C>T on transcript NM_025137.4 (MANE Select); coding-DNA position 1028, C replaced by T.
Protein change: p.Ser343Leu; replaces serine 343 with leucine.
Molecular consequence: missense variant.
Genome position (GRCh38, 1-based): chr15:44,651,919, G>A on the plus strand (C>T on the coding strand, the complement: SPG11 is on the minus strand). VCF-style: chr15-44651919-G-A. GRCh37 (hg19) VCF-style: chr15-44944117-G-A.
Other names: c.1028C>T, p.Ser343Leu (NM_001160227.2); short protein forms S343L.
Identifiers: ClinVar variation 1375129 (VCV001375129.6), dbSNP rs2084792703, ClinGen allele CA392236748.

ClinVar aggregate classification (germline): Uncertain significance (1 of 4 stars; one submission).

Conditions:
Hereditary spastic paraplegia 11. Also called: Spastic paraplegia, mental retardation and thin corpus callosum; Spastic Paraplegia 11; Nakamura Osame syndrome; Autosomal recessive hereditary spastic paraplegia, mental impairment, and thin corpus callosum; SPASTIC PARAPLEGIA, AUTOSOMAL RECESSIVE, COMPLICATED, WITH THIN CORPUS CALLOSUM; SPASTIC PARAPLEGIA, AUTOSOMAL RECESSIVE, WITH MENTAL IMPAIRMENT AND THIN CORPUS CALLOSUM. Identifiers: Orphanet 2822, MedGen C1858479, MONDO:0011445, OMIM 604360.

Allele frequency attached by ClinVar (database versions not stated): gnomAD exomes below 0.00001; gnomAD 0.00001.
gnomAD v4.1: 2 of 1,611,622 alleles (0.00012%); highest among the groups gnomAD compares: South Asian, 0.0022%; no homozygotes.

Submission:

Labcorp Genetics (formerly Invitae), Labcorp
Classification: Uncertain significance for Hereditary spastic paraplegia 11. Last evaluated: 2021-08-15. Review status: criteria provided, single submitter. Criteria: Invitae Variant Classification Sherloc (09022015). Collection method: clinical testing. Allele origin: germline.
Comment: In summary, the available evidence is currently insufficient to determine the role of this variant in disease. Therefore, it has been classified as a Variant of Uncertain Significance. Algorithms developed to predict the effect of missense changes on protein structure and function output the following: SIFT: "Tolerated"; PolyPhen-2: "Benign"; Align-GVGD: "Class C0". The leucine amino acid residue is found in multiple mammalian species, which suggests that this missense change does not adversely affect protein function. This variant has not been reported in the literature in individuals affected with SPG11-related conditions. This variant is not present in population databases (ExAC no frequency). This sequence change replaces serine with leucine at codon 343 of the SPG11 protein (p.Ser343Leu). The serine residue is moderately conserved and there is a large physicochemical difference between serine and leucine.